The following is an entry in ClinVar:

ClinVar aggregate classification (germline): Uncertain significance (1 of 4 stars; one submission).

Allele frequency attached by ClinVar (database versions not stated): gnomAD 0.00002; TOPMed 0.00003.
gnomAD v4.1: 4 of 1,610,038 alleles (0.00025%); highest among the groups gnomAD compares: African/African-American, 0.0053%; no homozygotes.

Submission:

Labcorp Genetics (formerly Invitae), Labcorp
Classification: Uncertain significance. Last evaluated: 2022-09-27. Review status: criteria provided, single submitter. Criteria: Invitae Variant Classification Sherloc (09022015). Collection method: clinical testing. Allele origin: germline.
Comment: This sequence change replaces alanine, which is neutral and non-polar, with threonine, which is neutral and polar, at codon 440 of the GPAA1 protein (p.Ala440Thr). This variant is not present in population databases (gnomAD no frequency). This variant has not been reported in the literature in individuals affected with GPAA1-related conditions. Advanced modeling of protein sequence and biophysical properties (such as structural, functional, and spatial information, amino acid conservation, physicochemical variation, residue mobility, and thermodynamic stability) performed at Invitae indicates that this missense variant is not expected to disrupt GPAA1 protein function. Algorithms developed to predict the effect of sequence changes on RNA splicing suggest that this variant may create or strengthen a splice site. In summary, the available evidence is currently insufficient to determine the role of this variant in disease. Therefore, it has been classified as a Variant of Uncertain Significance.

NM_003801.4(GPAA1):c.1318G>A (p.Ala440Thr)

Gene: GPAA1 (glycosylphosphatidylinositol anchor attachment 1; plus strand). Cytogenetic location: 8q24.3.
Variant type: single nucleotide variant.
Coding change: c.1318G>A on transcript NM_003801.4 (MANE Select); coding-DNA position 1318, G replaced by A.
Protein change: p.Ala440Thr; replaces alanine 440 with threonine.
Molecular consequence: missense variant.
Genome position (GRCh38, 1-based): chr8:144,085,346, G>A. VCF-style: chr8-144085346-G-A. GRCh37 (hg19) VCF-style: chr8-145140249-G-A.
Other names: short protein forms A440T.
Identifiers: ClinVar variation 1899778 (VCV001899778.2), dbSNP rs977248690, ClinGen allele CA187610613.